The following is an entry in ClinVar:

ClinVar aggregate classification (germline): Uncertain significance. Review status: criteria provided, multiple submitters, no conflicts (2 of 4 stars). 2 submissions from 2 submitters: Uncertain significance (2). Last evaluated 2026-05-30.

Conditions:
Combined immunodeficiency due to DOCK8 deficiency (HIES2). Also called: HIES autosomal recessive; HYPER-IgE SYNDROME 2, AUTOSOMAL RECESSIVE, WITH RECURRENT INFECTIONS; DOCK8 Deficiency; Hyper-IgE recurrent infection syndrome, autosomal recessive; HYPER-IgE RECURRENT INFECTION SYNDROME 2, AUTOSOMAL RECESSIVE. Identifiers: Orphanet 217390, MedGen C4722305, MONDO:0009478, OMIM 243700.

Allele frequency attached by ClinVar (database versions not stated): gnomAD exomes 0.00002 and below 0.00001; TOPMed below 0.00001; gnomAD 0.00001.
gnomAD v4.1: 22 of 1,609,152 alleles (0.0014%); highest among the groups gnomAD compares: Non-Finnish European, 0.0019%; no homozygotes.

Submissions (2):

Women's Health and Genetics/Laboratory Corporation of America, LabCorp
Classification: Uncertain significance. Last evaluated: 2026-05-30. Review status: criteria provided, single submitter. Criteria: LabCorp Variant Classification Summary - May 2015. Collection method: clinical testing. Allele origin: germline.

Labcorp Genetics (formerly Invitae), Labcorp
Classification: Uncertain significance for Combined immunodeficiency due to DOCK8 deficiency. Last evaluated: 2022-08-16. Review status: criteria provided, single submitter. Criteria: Invitae Variant Classification Sherloc (09022015). Collection method: clinical testing. Allele origin: germline.
Comment: ClinVar contains an entry for this variant (Variation ID: 1416130). Variants that disrupt the consensus splice site are a relatively common cause of aberrant splicing (PMID: 17576681, 9536098). Algorithms developed to predict the effect of sequence changes on RNA splicing suggest that this variant is not likely to affect RNA splicing. In summary, the available evidence is currently insufficient to determine the role of this variant in disease. Therefore, it has been classified as a Variant of Uncertain Significance. This sequence change falls in intron 43 of the DOCK8 gene. It does not directly change the encoded amino acid sequence of the DOCK8 protein. It affects a nucleotide within the consensus splice site. This variant is not present in population databases (gnomAD no frequency). This variant has not been reported in the literature in individuals affected with DOCK8-related conditions.

Literature cited by the submitters: PubMed 17576681 (cited by Labcorp Genetics (formerly Invitae), Labcorp); PubMed 9536098 (cited by Labcorp Genetics (formerly Invitae), Labcorp).

NM_203447.4(DOCK8):c.5580+6C>T

Gene: DOCK8 (dedicator of cytokinesis 8; plus strand). Cytogenetic location: 9p24.3.
Variant type: single nucleotide variant.
Coding change: c.5580+6C>T on transcript NM_203447.4 (MANE Select); 6 bases into the intron after coding-DNA position 5580, C replaced by T.
Molecular consequence: intron variant.
Genome position (GRCh38, 1-based): chr9:443,522, C>T. VCF-style: chr9-443522-C-T. GRCh37 (hg19) VCF-style: chr9-443522-C-T.
Other names: c.5376+6C>T (NM_001193536.2); c.5280+6C>T (NM_001190458.2).
Identifiers: ClinVar variation 1416130 (VCV001416130.7), dbSNP rs1348023074, ClinGen allele CA864772562.